The following is an entry in ClinVar:

NM_006031.6(PCNT):c.1468C>T (p.Gln490Ter)

Gene: PCNT (pericentrin; plus strand). Cytogenetic location: 21q22.3.
Variant type: single nucleotide variant.
Coding change: c.1468C>T on transcript NM_006031.6 (MANE Select); coding-DNA position 1468, C replaced by T.
Protein change: p.Gln490Ter; replaces glutamine 490 with a stop codon.
Molecular consequence: nonsense.
Genome position (GRCh38, 1-based): chr21:46,353,115, C>T. VCF-style: chr21-46353115-C-T. GRCh37 (hg19) VCF-style: chr21-47773029-C-T.
Other names: p.Gln490Ter; c.1114C>T, p.Gln372Ter (NM_001315529.2); short protein forms Q490*, Q372*.
Identifiers: ClinVar variation 159565 (VCV000159565.20), dbSNP rs181690344, ClinGen allele CA251031.

ClinVar aggregate classification (germline): Pathogenic. Review status: criteria provided, multiple submitters, no conflicts (2 of 4 stars). 8 submissions from 8 submitters: Pathogenic (7). 1 of the submissions does not count toward it. Last evaluated 2025-04-09.

Conditions:
PCNT-related disorder. Also called: PCNT-related condition.
Microcephalic osteodysplastic primordial dwarfism type II (MOPD2). Also called: MOPD II; OSTEODYSPLASTIC PRIMORDIAL DWARFISM, TYPE II; Microcephalic osteodysplastic primordial dwarfism with tooth abnormalities. Identifiers: Orphanet 2637, MedGen C0432246, MONDO:0008872, OMIM 210720.

Allele frequency attached by ClinVar (database versions not stated): gnomAD exomes 0.00001 and 0.00002; gnomAD 0.00002 and 0.00005; ExAC 0.00003; 1000 Genomes Project 30x 0.00078; 1000 Genomes Project 0.00080.
gnomAD v4.1: 23 of 1,613,732 alleles (0.0014%); highest among the groups gnomAD compares: Admixed American, 0.025%; no homozygotes.

Submissions (8):

Women's Health and Genetics/Laboratory Corporation of America, LabCorp
Classification: Pathogenic for Microcephalic osteodysplastic primordial dwarfism type II. Last evaluated: 2025-04-09. Review status: criteria provided, single submitter. Criteria: LabCorp Variant Classification Summary - May 2015. Collection method: clinical testing. Allele origin: germline.
Comment: Variant summary: PCNT c.1468C>T (p.Gln490X) results in a premature termination codon, predicted to cause a truncation of the encoded protein or absence of the protein due to nonsense mediated decay, which are commonly known mechanisms for disease. The variant allele was found at a frequency of 2e-05 in 250836 control chromosomes. c.1468C>T has been reported in the homozygous state in the literature in at least 1 individual affected with Microcephalic Osteodysplastic Primordial Dwarfism Type II (example, Pachajoa_2014). These report(s) do not provide unequivocal conclusions about association of the variant with Microcephalic Osteodysplastic Primordial Dwarfism Type II. To our knowledge, no experimental evidence demonstrating an impact on protein function has been reported. The following publication has been ascertained in the context of this evaluation (PMID: 24928221). ClinVar contains an entry for this variant (Variation ID: 159565). Based on the evidence outlined above, the variant was classified as pathogenic.

Fulgent Genetics
Classification: Pathogenic for Microcephalic osteodysplastic primordial dwarfism type II. Last evaluated: 2024-05-30. Review status: criteria provided, single submitter. Criteria: ACMG Guidelines, 2015. Collection method: clinical testing. Allele origin: germline.

Molecular Genetics and NGS Laboratory, Hospital Fundacion Valle Del Lili
Classification: Pathogenic for Microcephalic osteodysplastic primordial dwarfism type II. Last evaluated: 2023-11-06. Review status: criteria provided, single submitter. Criteria: ACMG Guidelines, 2015. Collection method: clinical testing. Allele origin: germline. Affected: yes. Observed: 1 variant allele.

Labcorp Genetics (formerly Invitae), Labcorp
Classification: Pathogenic. Last evaluated: 2023-11-05. Review status: criteria provided, single submitter. Criteria: Invitae Variant Classification Sherloc (09022015). Collection method: clinical testing. Allele origin: germline.
Comment: This sequence change creates a premature translational stop signal (p.Gln490*) in the PCNT gene. It is expected to result in an absent or disrupted protein product. Loss-of-function variants in PCNT are known to be pathogenic (PMID: 18174396, 22821869). This variant is present in population databases (rs181690344, gnomAD 0.01%). This premature translational stop signal has been observed in individual(s) with microcephalic osteodysplastic primordial dwarfism (PMID: 22821869, 24928221). ClinVar contains an entry for this variant (Variation ID: 159565). For these reasons, this variant has been classified as Pathogenic.

Blueprint Genetics
Classification: Pathogenic for PCNT-related disorders. Last evaluated: 2022-11-15. Review status: criteria provided, single submitter. Criteria: ACMG Guidelines, 2015. Collection method: clinical testing. Allele origin: germline. Affected: yes. Observed: 1 variant allele.

Revvity Omics, Revvity
Classification: Pathogenic for Microcephalic osteodysplastic primordial dwarfism type II. Last evaluated: 2022-08-16. Review status: criteria provided, single submitter. Criteria: ACMG Guidelines, 2015. Collection method: clinical testing. Allele origin: germline.

Genetic Services Laboratory, University of Chicago
Classification: Pathogenic for Microcephalic osteodysplastic primordial dwarfism, type II. Last evaluated: 2013-02-08. Review status: criteria provided, single submitter. Criteria: ACMG Guidelines, 2007. Collection method: clinical testing. Allele origin: germline. Inheritance: Autosomal recessive inheritance. Affected: yes.

GeneReviews
No classification provided. Condition: Microcephalic osteodysplastic primordial dwarfism type II. Review status: no classification provided. Collection method: literature only. Allele origin: germline. Not counted in ClinVar's aggregate classification.
Comment: Colombian founder variant

Literature cited by the submitters: PubMed 24928221 (cited by 3 submitters); PubMed 18174396 (cited by Labcorp Genetics (formerly Invitae), Labcorp); PubMed 22821869 (cited by Labcorp Genetics (formerly Invitae), Labcorp); NCBI Bookshelf NBK575926 (cited by GeneReviews).